The following is an entry in ClinVar:

NM_001271.4(CHD2):c.4339A>G (p.Ile1447Val)

Gene: CHD2 (chromodomain helicase DNA binding protein 2; plus strand). Cytogenetic location: 15q26.1.
Variant type: single nucleotide variant.
Coding change: c.4339A>G on transcript NM_001271.4 (MANE Select); coding-DNA position 4339, A replaced by G.
Protein change: p.Ile1447Val; replaces isoleucine 1447 with valine.
Molecular consequence: missense variant.
Genome position (GRCh38, 1-based): chr15:93,004,677, A>G. VCF-style: chr15-93004677-A-G. GRCh37 (hg19) VCF-style: chr15-93547907-A-G.
Other names: short protein forms I1447V.
Identifiers: ClinVar variation 678655 (VCV000678655.1), dbSNP rs1596452072, ClinGen allele CA393903296.

ClinVar aggregate classification (germline): Likely benign (1 of 4 stars; one submission).

Submission:

GeneDx
Classification: Likely benign. Last evaluated: 2018-04-09. Review status: criteria provided, single submitter. Criteria: GeneDx Variant Classification (06012015). Collection method: clinical testing. Allele origin: germline. Affected: yes.
Comment: This variant is considered likely benign or benign based on one or more of the following criteria: it is a conservative change, it occurs at a poorly conserved position in the protein, it is predicted to be benign by multiple in silico algorithms, and/or has population frequency not consistent with disease.